The following is an entry in ClinVar:

ClinVar aggregate classification (germline): Uncertain significance (1 of 4 stars; one submission).

Conditions:
Familial adenomatous polyposis 1 (FAP1). Also called: FAMILIAL ADENOMATOUS POLYPOSIS 1, ATTENUATED; POLYPOSIS, ADENOMATOUS INTESTINAL. Identifiers: MedGen C2713442, MONDO:0021056, OMIM 175100. Disease mechanism: loss of function.

Submission:

Labcorp Genetics (formerly Invitae), Labcorp
Classification: Uncertain significance for Familial adenomatous polyposis 1. Last evaluated: 2018-07-08. Review status: criteria provided, single submitter. Criteria: Invitae Variant Classification Sherloc (09022015). Collection method: clinical testing. Allele origin: germline.
Comment: This sequence change replaces histidine with asparagine at codon 325 of the APC protein (p.His325Asn). The histidine residue is highly conserved and there is a small physicochemical difference between histidine and asparagine. This variant is not present in population databases (ExAC no frequency). This variant has not been reported in the literature in individuals with APC-related disease. Algorithms developed to predict the effect of missense changes on protein structure and function are either unavailable or do not agree on the potential impact of this missense change (SIFT: "Deleterious"; PolyPhen-2: "Benign"; Align-GVGD: "Class C0"). In summary, the available evidence is currently insufficient to determine the role of this variant in disease. Therefore, it has been classified as a Variant of Uncertain Significance.

NM_000038.6(APC):c.973C>A (p.His325Asn)

Gene: APC (APC regulator of Wnt signaling pathway; plus strand). Cytogenetic location: 5q22.2.
Variant type: single nucleotide variant.
Coding change: c.973C>A on transcript NM_000038.6 (MANE Select); coding-DNA position 973, C replaced by A.
Protein change: p.His325Asn; replaces histidine 325 with asparagine.
Molecular consequence: missense variant. On other transcripts: intron variant (4).
Genome position (GRCh38, 1-based): chr5:112,819,005, C>A. VCF-style: chr5-112819005-C-A. GRCh37 (hg19) VCF-style: chr5-112154702-C-A.
Other names: c.973C>A, p.His325Asn (NM_001127510.3, NM_001354895.2, NM_001354896.2); c.919C>A, p.His307Asn (NM_001127511.3); c.1003C>A, p.His335Asn (NM_001354897.2); c.898C>A, p.His300Asn (NM_001354898.2); c.889C>A, p.His297Asn (NM_001354899.2); c.796C>A, p.His266Asn (NM_001354900.2, NM_001354901.2); c.124C>A, p.His42Asn (NM_001354906.2); c.964-264C>A (NM_001354902.2); and 3 more; short protein forms H266N, H307N, H335N, H297N, H325N, H300N, H42N.
Identifiers: ClinVar variation 656553 (VCV000656553.10), dbSNP rs1580527803, ClinGen allele CA16023437.